The following is an entry in ClinVar:

NM_000136.3(FANCC):c.677C>T (p.Ala226Val)

Genes: AOPEP (aminopeptidase O (putative); plus strand), FANCC (FA complementation group C; minus strand). Cytogenetic location: 9q22.32.
Variant type: single nucleotide variant.
Coding change: c.677C>T on transcript NM_000136.3 (MANE Select); coding-DNA position 677, C replaced by T.
Protein change: p.Ala226Val; replaces alanine 226 with valine.
Molecular consequence: missense variant.
Genome position (GRCh38, 1-based): chr9:95,149,932, G>A on the plus strand (C>T on the coding strand, the complement: FANCC is on the minus strand). VCF-style: chr9-95149932-G-A. GRCh37 (hg19) VCF-style: chr9-97912214-G-A.
Other names: c.677C>T, p.Ala226Val (NM_001243743.2, NM_001243744.2); short protein forms A226V.
Identifiers: ClinVar variation 826615 (VCV000826615.5), dbSNP rs1166491683, ClinGen allele CA374109526.

ClinVar aggregate classification (germline): Uncertain significance. Review status: criteria provided, single submitter (1 of 4 stars). 2 submissions from 2 submitters: Uncertain significance (1). 1 of the submissions does not count toward it. Last evaluated 2022-01-20.

Conditions:
Hereditary cancer-predisposing syndrome. Also called: Neoplastic Syndromes, Hereditary; Tumor predisposition; Hereditary neoplastic syndrome; Hereditary Cancer Syndrome. Identifiers: Orphanet 140162, MedGen C0027672, MeSH D009386, MONDO:0015356.
Fanconi anemia complementation group C (FANCC). Also called: FANCONI PANCYTOPENIA, TYPE 3; FACC; Fanconi anemia, group C; FANCC-Related Fanconi Anemia. Identifiers: Orphanet 84, MedGen C3468041, MONDO:0009213, OMIM 227645.

Allele frequency attached by ClinVar (database versions not stated): gnomAD exomes below 0.00001.
gnomAD v4.1: 14 of 1,602,962 alleles (0.00087%); highest among the groups gnomAD compares: Non-Finnish European, 0.0011%; no homozygotes.

Submissions (2):

Ambry Genetics
Classification: Uncertain significance for Hereditary cancer-predisposing syndrome. Last evaluated: 2022-01-20. Review status: criteria provided, single submitter. Criteria: Ambry Variant Classification Scheme 2023. Collection method: clinical testing. Allele origin: germline.
Comment: The p.A226V variant (also known as c.677C>T), located in coding exon 6 of the FANCC gene, results from a C to T substitution at nucleotide position 677. The alanine at codon 226 is replaced by valine, an amino acid with similar properties. This amino acid position is highly conserved in available vertebrate species. In addition, the in silico prediction for this alteration is inconclusive. Since supporting evidence is limited at this time, the clinical significance of this alteration remains unclear.

Natera, Inc.
Classification: Uncertain significance for Fanconi anemia, group C. Last evaluated: 2020-09-16. Review status: no assertion criteria provided. Collection method: clinical testing. Allele origin: germline. Not counted in ClinVar's aggregate classification.